The following is an entry in ClinVar:

ClinVar aggregate classification (germline): Uncertain significance. Review status: criteria provided, multiple submitters, no conflicts (2 of 4 stars). 3 submissions from 3 submitters: Uncertain significance (3). Last evaluated 2024-05-08.

Conditions:
Autosomal dominant nonsyndromic hearing loss 6 (LFSNHL). Also called: DEAFNESS, AUTOSOMAL DOMINANT 6; DEAFNESS, AUTOSOMAL DOMINANT 14; DEAFNESS, AUTOSOMAL DOMINANT 38; Autosomal dominant nonsyndromic deafness 6. Identifiers: Orphanet 90635, MedGen C1833021, MONDO:0010963, OMIM 600965.
Type 2 diabetes mellitus. Also called: Type II diabetes mellitus. Identifiers: MedGen C0011860, MeSH D003924, MONDO:0005148, OMIM 125853, HP:0005978.
Wolfram syndrome 1 (WFS1). Identifiers: Orphanet 3463, MedGen C4551693, MONDO:0009101, OMIM 222300.
Cataract 41 (CTRCT41). Also called: CATARACT 41, CONGENITAL NUCLEAR TYPE. Identifiers: Orphanet 91492, Orphanet 98991, Orphanet 98992, Orphanet 98995, MedGen C3805412, MONDO:0007287, OMIM 116400.
Wolfram-like syndrome. Also called: HEARING LOSS, PROGRESSIVE, WITH OPTIC ATROPHY AND/OR IMPAIRED GLUCOSE REGULATION. Identifiers: Orphanet 411590, MedGen C3280358, MONDO:0013673, OMIM 614296.

Submissions (3):

Fulgent Genetics
Classification: Uncertain significance for Cataract 41; Type 2 diabetes mellitus; Wolfram syndrome 1; Autosomal dominant nonsyndromic hearing loss 6; Wolfram-like syndrome. Last evaluated: 2024-05-08. Review status: criteria provided, single submitter. Criteria: ACMG Guidelines, 2015. Collection method: clinical testing. Allele origin: germline.

Labcorp Genetics (formerly Invitae), Labcorp
Classification: Uncertain significance. Last evaluated: 2022-09-13. Review status: criteria provided, single submitter. Criteria: Invitae Variant Classification Sherloc (09022015). Collection method: clinical testing. Allele origin: germline.
Comment: This variant is present in population databases (no rsID available, gnomAD 0.003%). This sequence change replaces glutamic acid, which is acidic and polar, with alanine, which is neutral and non-polar, at codon 593 of the WFS1 protein (p.Glu593Ala). This variant has not been reported in the literature in individuals affected with WFS1-related conditions. ClinVar contains an entry for this variant (Variation ID: 1374051). Advanced modeling of protein sequence and biophysical properties (such as structural, functional, and spatial information, amino acid conservation, physicochemical variation, residue mobility, and thermodynamic stability) performed at Invitae indicates that this missense variant is not expected to disrupt WFS1 protein function. In summary, the available evidence is currently insufficient to determine the role of this variant in disease. Therefore, it has been classified as a Variant of Uncertain Significance.

Blueprint Genetics
Classification: Uncertain significance. Last evaluated: 2021-07-01. Review status: criteria provided, single submitter. Criteria: ACMG Guidelines, 2015. Collection method: clinical testing. Allele origin: germline.

NM_006005.3(WFS1):c.1778A>C (p.Glu593Ala)

Gene: WFS1 (wolframin ER transmembrane glycoprotein; plus strand). Cytogenetic location: 4p16.1.
Variant type: single nucleotide variant.
Coding change: c.1778A>C on transcript NM_006005.3 (MANE Select); coding-DNA position 1778, A replaced by C.
Protein change: p.Glu593Ala; replaces glutamic acid 593 with alanine.
Molecular consequence: missense variant.
Genome position (GRCh38, 1-based): chr4:6,301,573, A>C. VCF-style: chr4-6301573-A-C. GRCh37 (hg19) VCF-style: chr4-6303300-A-C.
Other names: c.1778A>C, p.Glu593Ala (NM_001145853.1); short protein forms E593A.
Identifiers: ClinVar variation 1374051 (VCV001374051.8), dbSNP rs375440473, ClinGen allele CA356176827.
Genomic context (GRCh38, chr4:6,301,573, plus strand): 5'-TGGTGGCCGGCCTGGCCCTGGTGGGCGTGCTGCAGTTCGCCCGGTGGTTCACGTCTCTGG[A>C]GCTCACCAAGATCGCAGTCACCGTGGCGGTCTGTAGTGTGCCCCTGCTGTTGCGCTGGTG-3'
Protein context (NP_005996.2, residues 583-603): LQFARWFTSL[Glu593Ala]LTKIAVTVAV